The following is an entry in ClinVar:

ClinVar aggregate classification (germline): Uncertain significance (1 of 4 stars; one submission).

Conditions:
Malignant hyperthermia, susceptibility to, 5 (MHS5). Also called: CACNA1S-Related Malignant Hyperthermia Susceptibility. Identifiers: Orphanet 423, MedGen C1866077, MONDO:0011163, OMIM 601887.

gnomAD v4.1: 10 of 1,612,858 alleles (0.00062%); highest among the groups gnomAD compares: South Asian, 0.0033%; no homozygotes.

Submission:

All of Us Research Program, National Institutes of Health
Classification: Uncertain significance for Malignant hyperthermia, susceptibility to, 5. Last evaluated: 2024-09-23. Review status: criteria provided, single submitter. Criteria: ACMG Guidelines, 2015. Collection method: clinical testing. Allele origin: germline. Inheritance: Autosomal dominant inheritance. Observed: 1 variant allele, 1 heterozygote.
Comment: This study involves interpretation of variants in research participants for the purpose of population health screening. Participant phenotype was not available at the time of variant classification. Additional details can be found in publication PMID: 35346344, PMCID: PMC8962531

NM_000069.3(CACNA1S):c.152+5C>G

Gene: CACNA1S (calcium voltage-gated channel subunit alpha1 S; minus strand). Cytogenetic location: 1q32.1.
Variant type: single nucleotide variant.
Coding change: c.152+5C>G on transcript NM_000069.3 (MANE Select); 5 bases into the intron after coding-DNA position 152, C replaced by G.
Molecular consequence: intron variant.
Genome position (GRCh38, 1-based): chr1:201,112,183, G>C on the plus strand (C>G on the coding strand, the complement: CACNA1S is on the minus strand). VCF-style: chr1-201112183-G-C. GRCh37 (hg19) VCF-style: chr1-201081311-G-C.
Identifiers: ClinVar variation 3386412 (VCV003386412.1).